The following is an entry in ClinVar:

NM_016579.4(CD320):c.125C>T (p.Thr42Ile)

Gene: CD320 (CD320 molecule; minus strand). Cytogenetic location: 19p13.2.
Variant type: single nucleotide variant.
Coding change: c.125C>T on transcript NM_016579.4 (MANE Select); coding-DNA position 125, C replaced by T.
Protein change: p.Thr42Ile; replaces threonine 42 with isoleucine.
Molecular consequence: missense variant.
Genome position (GRCh38, 1-based): chr19:8,308,166, G>A on the plus strand (C>T on the coding strand, the complement: CD320 is on the minus strand). VCF-style: chr19-8308166-G-A. GRCh37 (hg19) VCF-style: chr19-8373050-G-A.
Other names: c.125C>T, p.Thr42Ile (NM_001165895.2); short protein forms T42I.
Identifiers: ClinVar variation 4809173 (VCV004809173.1).
Genomic context (GRCh38, chr19:8,308,166, plus strand): 5'-GCCTCGCGAGGGGTGGGAGCCCGCGCTGCGGGGCGTCACTCACCTGCGGCCTGGGCAGAG[G>A]TCGGGGTGGAAAGCGGGCTCGCGGCGGCCTCCAGGCCTAGTCCGAGGCCGAGCAGCAGCA-3'
Protein context (NP_057663.1, residues 32-52): EAAASPLSTP[Thr42Ile]SAQAAGPSSG

ClinVar aggregate classification (germline): Uncertain significance (1 of 4 stars; one submission).

Conditions:
Methylmalonic acidemia due to transcobalamin receptor defect (MATR). Also called: METHYLMALONIC ACIDEMIA, TCblR TYPE; METHYLMALONIC ACIDURIA, TRANSIENT, DUE TO TRANSCOBALAMIN RECEPTOR DEFECT. Identifiers: Orphanet 280183, MedGen C4749905, MONDO:0013341, OMIM 613646.

Submission:

Labcorp Genetics (formerly Invitae), Labcorp
Classification: Uncertain significance for Methylmalonic acidemia due to transcobalamin receptor defect. Last evaluated: 2025-08-08. Review status: criteria provided, single submitter. Criteria: Invitae Variant Classification Sherloc (09022015). Collection method: clinical testing. Allele origin: germline.
Comment: This sequence change replaces threonine, which is neutral and polar, with isoleucine, which is neutral and non-polar, at codon 42 of the CD320 protein (p.Thr42Ile). This variant is not present in population databases (gnomAD no frequency). This variant has not been reported in the literature in individuals affected with CD320-related conditions. An algorithm developed to predict the effect of missense changes on protein structure and function (PolyPhen-2) suggests that this variant is likely to be disruptive. In summary, the available evidence is currently insufficient to determine the role of this variant in disease. Therefore, it has been classified as a Variant of Uncertain Significance.